The following is an entry in ClinVar:

ClinVar aggregate classification (germline): Pathogenic/Likely pathogenic. Review status: criteria provided, multiple submitters, no conflicts (2 of 4 stars). 3 submissions from 3 submitters: Pathogenic (2); Likely pathogenic (1). Last evaluated 2024-03-14.

Conditions:
Exostoses, multiple, type 1 (EXT1). Also called: Hereditary Multiple Osteochondromatosis, Type I; EXOSTOSES, MULTIPLE, TYPE I. Identifiers: MedGen CN263289, MONDO:0007585, OMIM 133700.
Multiple congenital exostosis (EXT). Also called: Multiple osteochondromas; Hereditary multiple osteochondromas; MULTIPLE CARTILAGINOUS EXOSTOSES; Multiple exostoses; Hereditary multiple exostoses; Hereditary multiple exostosis. Identifiers: Orphanet 321, MedGen C0015306, MONDO:0005508, HP:0002762.

Submissions (3):

Genomic Medicine Center of Excellence, King Faisal Specialist Hospital and Research Centre
Classification: Pathogenic for Exostoses, multiple, type 1. Last evaluated: 2024-03-14. Review status: criteria provided, single submitter. Criteria: ACMG Guidelines, 2015. Collection method: clinical testing. Allele origin: germline.

Labcorp Genetics (formerly Invitae), Labcorp
Classification: Pathogenic for Multiple congenital exostosis. Last evaluated: 2022-06-11. Review status: criteria provided, single submitter. Criteria: Invitae Variant Classification Sherloc (09022015). Collection method: clinical testing. Allele origin: germline.
Comment: For these reasons, this variant has been classified as Pathogenic. This variant disrupts the p.Arg340 amino acid residue in EXT1. Other variant(s) that disrupt this residue have been determined to be pathogenic (PMID: 9521425, 26239617, 26961984). This suggests that this residue is clinically significant, and that variants that disrupt this residue are likely to be disease-causing. Advanced modeling of protein sequence and biophysical properties (such as structural, functional, and spatial information, amino acid conservation, physicochemical variation, residue mobility, and thermodynamic stability) performed at Invitae indicates that this missense variant is expected to disrupt EXT1 protein function. ClinVar contains an entry for this variant (Variation ID: 988576). This missense change has been observed in individual(s) with hereditary multiple osteochondromas, also known as hereditary multiple exostoses (PMID: 28600779, 33726816). This variant is not present in population databases (gnomAD no frequency). This sequence change replaces arginine, which is basic and polar, with glycine, which is neutral and non-polar, at codon 340 of the EXT1 protein (p.Arg340Gly).

Clinical Genetics and Genomics, Karolinska University Hospital
Classification: Likely pathogenic. Last evaluated: 2019-09-23. Review status: criteria provided, single submitter. Criteria: ACMG Guidelines, 2015. Collection method: clinical testing. Allele origin: somatic. Affected: yes. Observed: 1 variant allele.

Literature cited by the submitters: PubMed 9521425 (cited by Labcorp Genetics (formerly Invitae), Labcorp); PubMed 26239617 (cited by Labcorp Genetics (formerly Invitae), Labcorp); PubMed 26961984 (cited by Labcorp Genetics (formerly Invitae), Labcorp); PubMed 28600779 (cited by Labcorp Genetics (formerly Invitae), Labcorp); PubMed 33726816 (cited by Labcorp Genetics (formerly Invitae), Labcorp).

NM_000127.3(EXT1):c.1018C>G (p.Arg340Gly)

Gene: EXT1 (exostosin glycosyltransferase 1; minus strand). Cytogenetic location: 8q24.11.
Variant type: single nucleotide variant.
Coding change: c.1018C>G on transcript NM_000127.3 (MANE Select); coding-DNA position 1018, C replaced by G.
Protein change: p.Arg340Gly; replaces arginine 340 with glycine.
Molecular consequence: missense variant.
Genome position (GRCh38, 1-based): chr8:117,837,146, G>C on the plus strand (C>G on the coding strand, the complement: EXT1 is on the minus strand). VCF-style: chr8-117837146-G-C. GRCh37 (hg19) VCF-style: chr8-118849385-G-C.
Other names: short protein forms R340G.
Identifiers: ClinVar variation 988576 (VCV000988576.7), dbSNP rs119103290, ClinGen allele CA371893289.